The following is an entry in ClinVar:

NM_016363.5(GP6):c.*135T>A

Gene: GP6 (glycoprotein VI platelet; minus strand). Cytogenetic location: 19q13.42.
Variant type: single nucleotide variant.
Coding change: c.*135T>A on transcript NM_016363.5 (MANE Select); 135 bases downstream of the stop codon, T replaced by A.
Molecular consequence: 3 prime UTR variant. On other transcripts: missense variant (1).
Genome position (GRCh38, 1-based): chr19:55,014,786, A>T on the plus strand (T>A on the coding strand, the complement: GP6 is on the minus strand). VCF-style: chr19-55014786-A-T. GRCh37 (hg19) VCF-style: chr19-55526154-A-T.
Other names: c.1159T>A, p.Ser387Thr (NM_001083899.2); c.*135T>A (NM_001256017.2); short protein forms S387T.
Identifiers: ClinVar variation 2006784 (VCV002006784.1), dbSNP rs2516861117, ClinGen allele CA407476265.
Genomic context (GRCh38, chr19:55,014,786, plus strand): 5'-GACAGAGAGGCAGACAGACAGACAGACACTGGCCGAACGGCTCCCTGATGGAACACCAGG[A>T]GGAGGCAGCATGGCCTCGTTTCCACAGCTGTAGCCTCTGCCCTCCTGCTTCCACGCTCCA-3'

ClinVar aggregate classification (germline): Uncertain significance (1 of 4 stars; one submission).

Submission:

Labcorp Genetics (formerly Invitae), Labcorp
Classification: Uncertain significance. Last evaluated: 2022-09-29. Review status: criteria provided, single submitter. Criteria: Invitae Variant Classification Sherloc (09022015). Collection method: clinical testing. Allele origin: germline.
Comment: This sequence change replaces serine, which is neutral and polar, with threonine, which is neutral and polar, at codon 387 of the GP6 protein (p.Ser387Thr). This variant is not present in population databases (gnomAD no frequency). This variant has not been reported in the literature in individuals affected with GP6-related conditions. Algorithms developed to predict the effect of missense changes on protein structure and function (SIFT, PolyPhen-2, Align-GVGD) all suggest that this variant is likely to be tolerated. In summary, the available evidence is currently insufficient to determine the role of this variant in disease. Therefore, it has been classified as a Variant of Uncertain Significance.